The following is an entry in ClinVar:

NM_000329.3(RPE65):c.651del (p.Asp218fs)

Gene: RPE65 (retinoid isomerohydrolase RPE65; minus strand). Cytogenetic location: 1p31.3.
Variant type: Deletion.
Coding change: c.651del on transcript NM_000329.3 (MANE Select); coding-DNA position 651, one base deleted (A; older notation c.651delA).
Protein change: p.Asp218fs; shifts the reading frame from aspartic acid 218.
Molecular consequence: frameshift variant.
Genome position (GRCh38, 1-based): chr1:68,439,635, T deleted on the plus strand (A on the coding strand, the reverse complement: RPE65 is on the minus strand); the first of 2 consecutive T bases (chr1:68,439,635-68,439,636); deleting either gives the same sequence. VCF-style (leftmost placement, unchanged base first): chr1-68439634-CT-C. GRCh37 (hg19) VCF-style: chr1-68905317-CT-C.
Other names: NM_000329.3:c.651del; c.543del, p.Asp182fs (NM_001406853.1); c.375del, p.Asp126fs (NM_001406856.1, NM_001406857.1); c.651del, p.Asp218fs (NM_001406859.1); short protein forms D126fs, D182fs, D218fs.
Identifiers: ClinVar variation 3906147 (VCV003906147.2).
Genomic context (GRCh38, chr1:68,439,634, plus strand): 5'-ATGGCTTGAATCGGTCACTGCAGGGGAATTGTACAACGATCTCTGACTTGCTTATTGGAT[CT>C]TCCTTGTCTGAAATAAAGTGGTTTTAAAAGGCTTTGGAAGAGCCTCTTATTTTTTTTTTA-3'

ClinVar aggregate classification (germline): Likely pathogenic. Review status: reviewed by expert panel (3 of 4 stars). 2 submissions from 2 submitters: Likely pathogenic (1). 1 of the submissions does not count toward it. Last evaluated 2025-06-11.

Conditions:
RPE65-related recessive retinopathy. Also called: Recessive RPE65 retinopathy. Identifiers: MedGen CN305526, MONDO:0100368.

Submissions (2):

ClinGen Leber Congenital Amaurosis/early Onset Retinal Dystrophy Variant Curation Expert Panel, ClinGen
Classification: Likely pathogenic for RPE65-related recessive retinopathy. Last evaluated: 2025-06-11. Review status: reviewed by expert panel. Criteria: ClinGen LCAeoRD ACMG Specifications RPE65 V1.0.0. Collection method: curation. Allele origin: germline. Inheritance: Autosomal recessive inheritance.
Comment: NM_000329.3(RPE65):c.651del (p.Asp218IlefsTer3) is a frameshift variant that introduces a premature stop codon into exon 7 of 14, and is predicted to lead to nonsense-mediated decay in a gene in which loss-of-function is an established mechanism of disease (PVS1). This variant is absent from gnomAD v4.1.0 (PM2_Supporting). This variant has been reported in at least 1 proband with a diagnosis of inherited retinal dystrophy who harbored the variant in the compound heterozygous state (PMID: 30268864) with the NM_000329.3(RPE65):c.1580A>C (p.His527Pro) variant suspected but not confirmed in trans. However, the proband was not counted for PM3_Supporting to avoid circularity. In summary, this variant meets the criteria to be classified as likely pathogenic for RPE65-related recessive retinopathy based on the ACMG/AMP criteria applied, as specified by the ClinGen LCA/eoRD VCEP: PVS1 and PM2_Supporting. (VCEP specifications version 1.0.0; date of approval 09/21/2023).

Myriad Genetics, Inc.
Classification: Pathogenic for RPE65-related recessive retinopathy. Last evaluated: 2024-05-14. Review status: criteria provided, single submitter. Criteria: Myriad Autosomal Dominant, Autosomal Recessive and X-Linked Classification Criteria (2023). Collection method: clinical testing. Allele origin: unknown. Not counted in ClinVar's aggregate classification.
Comment: NM_000329.2(RPE65):c.651delA(D218Ifs*3) is expected to be pathogenic in the context of inherited retinal dystrophy, RPE65-related. This variant is predicted to lead to an abnormal or absent protein product due to the creation of a premature termination codon in RPE65, a gene where loss-of-function variants are known to be pathogenic. Please note: this variant was assessed in the context of healthy population screening.